The following is an entry in ClinVar:

ClinVar aggregate classification (germline): Pathogenic (1 of 4 stars; one submission).

Conditions:
Neurodevelopmental disorder with or without hyperkinetic movements and seizures, autosomal dominant. Also called: Intellectual disability, autosomal dominant 8. Identifiers: MedGen C3280282, MONDO:0013655, OMIM 614254.

Submission:

Labcorp Genetics (formerly Invitae), Labcorp
Classification: Pathogenic for Neurodevelopmental disorder with or without hyperkinetic movements and seizures, autosomal dominant. Last evaluated: 2023-07-21. Review status: criteria provided, single submitter. Criteria: Invitae Variant Classification Sherloc (09022015). Collection method: clinical testing. Allele origin: germline.
Comment: For these reasons, this variant has been classified as Pathogenic. ClinVar contains an entry for this variant (Variation ID: 2097493). This variant has not been reported in the literature in individuals affected with GRIN1-related conditions. This variant is not present in population databases (gnomAD no frequency). This sequence change creates a premature translational stop signal (p.Ala600Profs*197) in the GRIN1 gene. It is expected to result in an absent or disrupted protein product. Loss-of-function variants in GRIN1 are known to be pathogenic (PMID: 27164704, 35393335).

Literature cited by the submitters: PubMed 27164704; PubMed 35393335.

NM_007327.4(GRIN1):c.1798_1805del (p.Ala600fs)

Gene: GRIN1 (glutamate ionotropic receptor NMDA type subunit 1; plus strand). Cytogenetic location: 9q34.3.
Variant type: Deletion.
Coding change: c.1798_1805del on transcript NM_007327.4 (MANE Select); coding-DNA positions 1798 to 1805, 8 bases deleted (GCACTGAC; older notation c.1798_1805delGCACTGAC).
Protein change: p.Ala600fs; shifts the reading frame from alanine 600.
Molecular consequence: frameshift variant.
Genome position (GRCh38, 1-based): chr9:137,162,450-137,162,457, GCACTGAC deleted; deleting any 8 consecutive bases within chr9:137,162,447-137,162,457 gives the same sequence; the c. name uses the placement nearest the transcript's 3' end. VCF-style (leftmost placement, unchanged base first): chr9-137162446-GGACGCACT-G. GRCh37 (hg19) VCF-style: chr9-140056898-GGACGCACT-G.
Other names: c.1798_1805del, p.Ala600fs (NM_000832.7, NM_021569.4); c.1861_1868del, p.Ala621fs (NM_001185090.2, NM_001185091.2); short protein forms A600fs, A621fs.
Identifiers: ClinVar variation 2097493 (VCV002097493.4), dbSNP rs2538639267, ClinGen allele CA2580081078.